The following is an entry in ClinVar:

ClinVar aggregate classification (germline): Uncertain significance (1 of 4 stars; one submission).

Conditions:
Neuropathy, hereditary sensory and autonomic, type 1C. Also called: HSAN IC; HSN IC. Identifiers: Orphanet 36386, MedGen C3150896, MONDO:0013337, OMIM 613640.

Submission:

Labcorp Genetics (formerly Invitae), Labcorp
Classification: Uncertain significance for Neuropathy, hereditary sensory and autonomic, type 1C. Last evaluated: 2023-10-27. Review status: criteria provided, single submitter. Criteria: Invitae Variant Classification Sherloc (09022015). Collection method: clinical testing. Allele origin: germline.
Comment: This sequence change replaces leucine, which is neutral and non-polar, with valine, which is neutral and non-polar, at codon 471 of the SPTLC2 protein (p.Leu471Val). This variant is not present in population databases (gnomAD no frequency). This variant has not been reported in the literature in individuals affected with SPTLC2-related conditions. Advanced modeling of protein sequence and biophysical properties (such as structural, functional, and spatial information, amino acid conservation, physicochemical variation, residue mobility, and thermodynamic stability) performed at Invitae indicates that this missense variant is not expected to disrupt SPTLC2 protein function with a negative predictive value of 80%. In summary, the available evidence is currently insufficient to determine the role of this variant in disease. Therefore, it has been classified as a Variant of Uncertain Significance.

NM_004863.4(SPTLC2):c.1411T>G (p.Leu471Val)

Gene: SPTLC2 (serine palmitoyltransferase long chain base subunit 2; minus strand). Cytogenetic location: 14q24.3.
Variant type: single nucleotide variant.
Coding change: c.1411T>G on transcript NM_004863.4 (MANE Select); coding-DNA position 1411, T replaced by G.
Protein change: p.Leu471Val; replaces leucine 471 with valine.
Molecular consequence: missense variant.
Genome position (GRCh38, 1-based): chr14:77,521,474, A>C on the plus strand (T>G on the coding strand, the complement: SPTLC2 is on the minus strand). VCF-style: chr14-77521474-A-C. GRCh37 (hg19) VCF-style: chr14-77987817-A-C.
Other names: short protein forms L471V.
Identifiers: ClinVar variation 2772055 (VCV002772055.3), dbSNP rs2503446242, ClinGen allele CA390700738.